The following is an entry in ClinVar:

ClinVar aggregate classification (germline): Likely benign (1 of 4 stars; one submission).

gnomAD v4.1: 697 of 1,570,046 alleles (0.044%); highest among the groups gnomAD compares: South Asian, 0.19%; 9 homozygotes.

Submission:

CeGaT Center for Human Genetics Tuebingen
Classification: Likely benign. Last evaluated: 2026-05-01. Review status: criteria provided, single submitter. Criteria: CeGaT Center For Human Genetics Tuebingen Variant Classification Criteria Version 2. Collection method: clinical testing. Allele origin: germline. Affected: yes. Observed: 1 variant allele.
Comment: MUC5B: BP4, BS1

NM_002458.3(MUC5B):c.10325C>G (p.Thr3442Ser)

Genes: MUC5B (mucin 5B, oligomeric mucus/gel-forming; plus strand), MUC5B-AS1 (MUC5B antisense RNA 1; minus strand). Cytogenetic location: 11p15.5.
Variant type: single nucleotide variant.
Coding change: c.10325C>G on transcript NM_002458.3 (MANE Select); coding-DNA position 10325, C replaced by G.
Protein change: p.Thr3442Ser; replaces threonine 3442 with serine.
Molecular consequence: missense variant.
Genome position (GRCh38, 1-based): chr11:1,247,205, C>G. VCF-style: chr11-1247205-C-G. GRCh37 (hg19) VCF-style: chr11-1268435-C-G.
Other names: short protein forms T3442S.
Identifiers: ClinVar variation 4872119 (VCV004872119.2).